The following is an entry in ClinVar:

NM_001003699.4(RREB1):c.3369A>T (p.Pro1123=)

Gene: RREB1 (ras responsive element binding protein 1; plus strand). Cytogenetic location: 6p24.3.
Variant type: single nucleotide variant.
Coding change: c.3369A>T on transcript NM_001003699.4 (MANE Select); coding-DNA position 3369, A replaced by T.
Protein change: p.Pro1123=; no amino-acid change (proline 1123 retained).
Molecular consequence: synonymous variant.
Genome position (GRCh38, 1-based): chr6:7,231,468, A>T. VCF-style: chr6-7231468-A-T. GRCh37 (hg19) VCF-style: chr6-7231701-A-T.
Other names: c.3369A>T, p.Pro1123= (NM_001168344.2, NM_001003698.4, NM_001003700.2).
Identifiers: ClinVar variation 3388827 (VCV003388827.14).
Genomic context (GRCh38, chr6:7,231,468, plus strand): 5'-CTTAGGAGGTTCTGTCCCCAAAGCCGCCACCACCGCCACCCCCGCTGCCACCACCAGCCC[A>T]AAAGAGTCTAGTGAGCCTCCCGCTCCAGCCAGCAGCCCAGAGGCTGCCTCTCCCACCGAG-3'
Protein context (NP_001003699.1, residues 1113-1133): TTATPAATTS[Pro1123=]KESSEPPAPA

ClinVar aggregate classification (germline): Likely benign (1 of 4 stars; one submission).

gnomAD v4.1: 17 of 1,613,024 alleles (0.0011%); highest among the groups gnomAD compares: Non-Finnish European, 0.0014%; no homozygotes.

Submission:

CeGaT Center for Human Genetics Tuebingen
Classification: Likely benign. Last evaluated: 2024-09-01. Review status: criteria provided, single submitter. Criteria: CeGaT Center For Human Genetics Tuebingen Variant Classification Criteria Version 2. Collection method: clinical testing. Allele origin: germline. Affected: yes. Observed: 1 variant allele.
Comment: RREB1: BP4, BP7